The following is an entry in ClinVar:

NM_025137.4(SPG11):c.4304A>G (p.Lys1435Arg)

Genes: SPG11 (SPG11 vesicle trafficking associated, spatacsin; minus strand), LOC130056973 (ATAC-STARR-seq lymphoblastoid active region 9341; plus strand). Cytogenetic location: 15q21.1.
Variant type: single nucleotide variant.
Coding change: c.4304A>G on transcript NM_025137.4 (MANE Select); coding-DNA position 4304, A replaced by G.
Protein change: p.Lys1435Arg; replaces lysine 1435 with arginine.
Molecular consequence: missense variant.
Genome position (GRCh38, 1-based): chr15:44,596,213, T>C on the plus strand (A>G on the coding strand, the complement: SPG11 is on the minus strand). VCF-style: chr15-44596213-T-C. GRCh37 (hg19) VCF-style: chr15-44888411-T-C.
Other names: p.Lys1435Arg; c.4304A>G (NM_025137.3); c.4304A>G, p.Lys1435Arg (NM_001160227.2); short protein forms K1435R.
Identifiers: ClinVar variation 1347615 (VCV001347615.5), dbSNP rs2083034008, ClinGen allele CA392227845.

ClinVar aggregate classification (germline): Uncertain significance. Review status: criteria provided, multiple submitters, no conflicts (2 of 4 stars). 3 submissions from 3 submitters: Uncertain significance (3). Last evaluated 2024-04-05.

Conditions:
Inborn genetic diseases. Identifiers: MedGen C0950123, MeSH D030342.
Hereditary spastic paraplegia 11. Also called: Spastic Paraplegia 11; Nakamura Osame syndrome; Autosomal recessive hereditary spastic paraplegia, mental impairment, and thin corpus callosum; SPASTIC PARAPLEGIA, AUTOSOMAL RECESSIVE, COMPLICATED, WITH THIN CORPUS CALLOSUM; SPASTIC PARAPLEGIA, AUTOSOMAL RECESSIVE, WITH MENTAL IMPAIRMENT AND THIN CORPUS CALLOSUM; Spastic paraplegia, mental retardation and thin corpus callosum. Identifiers: Orphanet 2822, MedGen C1858479, MONDO:0011445, OMIM 604360.

Allele frequency attached by ClinVar (database versions not stated): gnomAD exomes below 0.00001; TOPMed below 0.00001; gnomAD 0.00001.
gnomAD v4.1: 5 of 1,614,058 alleles (0.00031%); highest among the groups gnomAD compares: South Asian, 0.0044%; no homozygotes.

Submissions (3):

Mayo Clinic Laboratories, Mayo Clinic
Classification: Uncertain significance. Last evaluated: 2024-04-05. Review status: criteria provided, single submitter. Criteria: ACMG Guidelines, 2015. Collection method: clinical testing. Allele origin: germline. Observed: 1 variant allele.
Comment: BP4

Labcorp Genetics (formerly Invitae), Labcorp
Classification: Uncertain significance for Hereditary spastic paraplegia 11. Last evaluated: 2021-12-02. Review status: criteria provided, single submitter. Criteria: Invitae Variant Classification Sherloc (09022015). Collection method: clinical testing. Allele origin: germline.
Comment: This sequence change replaces lysine, which is basic and polar, with arginine, which is basic and polar, at codon 1435 of the SPG11 protein (p.Lys1435Arg). This variant is not present in population databases (gnomAD no frequency). This variant has not been reported in the literature in individuals affected with SPG11-related conditions. Algorithms developed to predict the effect of missense changes on protein structure and function output the following: SIFT: "Tolerated"; PolyPhen-2: "Benign"; Align-GVGD: "Class C0". The arginine amino acid residue is found in multiple mammalian species, which suggests that this missense change does not adversely affect protein function. In summary, the available evidence is currently insufficient to determine the role of this variant in disease. Therefore, it has been classified as a Variant of Uncertain Significance.

Ambry Genetics
Classification: Uncertain significance for Inborn genetic diseases. Last evaluated: 2021-08-10. Review status: criteria provided, single submitter. Criteria: Ambry Variant Classification Scheme 2023. Collection method: clinical testing. Allele origin: germline.